The following is an entry in ClinVar:

ClinVar aggregate classification (germline): Pathogenic. Review status: criteria provided, multiple submitters, no conflicts (2 of 4 stars). 13 submissions from 13 submitters: Pathogenic (11). 2 of the submissions do not count toward it. Last evaluated 2026-01-21.

Conditions:
Niemann-Pick disease, type A. Also called: Infantile Neurovisceral ASMD (Niemann-Pick Disease Type A; NPD-A); SPHINGOMYELIN LIPIDOSIS; SPHINGOMYELINASE DEFICIENCY. Identifiers: Orphanet 77292, MedGen C0268242, MONDO:0009756, OMIM 257200. Disease mechanism: loss of function.
Niemann-Pick disease, type B. Also called: Chronic Visceral ASMD (Niemann-Pick Disease Type B; NPD-B). Identifiers: Orphanet 77293, MedGen C0268243, MONDO:0011871, OMIM 607616. Disease mechanism: loss of function.
Sphingomyelin/cholesterol lipidosis. Also called: Niemann-Pick disease. Identifiers: MedGen C0028064, MONDO:0001982.

Allele frequency attached by ClinVar (database versions not stated): TOPMed 0.00010.
gnomAD v4.1: 37 of 1,613,532 alleles (0.0023%); highest among the groups gnomAD compares: Non-Finnish European, 0.0031%; no homozygotes.

Submissions (13):

Labcorp Genetics (formerly Invitae), Labcorp
Classification: Pathogenic for Niemann-Pick disease, type B; Niemann-Pick disease, type A. Last evaluated: 2026-01-21. Review status: criteria provided, single submitter. Criteria: Invitae Variant Classification Sherloc (09022015). Collection method: clinical testing. Allele origin: germline.
Comment: This sequence change creates a premature translational stop signal (p.Arg443*) in the SMPD1 gene. It is expected to result in an absent or disrupted protein product. Loss-of-function variants in SMPD1 are known to be pathogenic (PMID: 12369017, 15221801). This variant is present in population databases (rs120074127, gnomAD 0.004%). This premature translational stop signal has been observed in individual(s) with Niemann-Pick disease type A and B (PMID: 8680412, 12607113, 17011332, 22796693). This variant is also known as 441X. ClinVar contains an entry for this variant (Variation ID: 2993). For these reasons, this variant has been classified as Pathogenic.

Natera, Inc.
Classification: Pathogenic for Niemann-Pick Disease, Types A/B. Last evaluated: 2025-11-10. Review status: criteria provided, single submitter. Criteria: Natera Variant Classification Schema (03/2026). Collection method: clinical testing. Allele origin: germline.
Comment: The c.1327C>T variant in SMPD1 is a nonsense variant predicted to introduce a stop codon at amino acid 443. This variant is expected to result in nonsense mediated decay, truncation, or a dysfunctional protein product. This variant is rare in the general population with a frequency below the threshold expected for the associated phenotype(s). This variant has been observed in one or more individuals affected with the associated recessive disease, as either homozygous or compound heterozygous with a second variant (PMID: 17011332, 12607113). Given the available evidence, this variant is classified as Pathogenic.

First Genomix Gene Laboratory, Genetic Diagnostics Department
Classification: Pathogenic for Niemann-Pick disease, type A; Niemann-Pick disease, type B. Last evaluated: 2025-08-26. Review status: criteria provided, single submitter. Criteria: ACMG Guidelines, 2015. Collection method: clinical testing. Allele origin: germline. Inheritance: Autosomal recessive inheritance. Affected: no. Observed: 1 variant allele.

Fulgent Genetics
Classification: Pathogenic for Niemann-Pick disease, type A; Niemann-Pick disease, type B. Last evaluated: 2024-06-10. Review status: criteria provided, single submitter. Criteria: ACMG Guidelines, 2015. Collection method: clinical testing. Allele origin: germline.

Baylor Genetics
Classification: Pathogenic for Niemann-Pick disease, type A. Last evaluated: 2024-03-22. Review status: criteria provided, single submitter. Criteria: ACMG Guidelines, 2015. Collection method: clinical testing. Allele origin: unknown.

GeneDx
Classification: Pathogenic. Last evaluated: 2023-03-25. Review status: criteria provided, single submitter. Criteria: GeneDx Variant Classification Process June 2021. Collection method: clinical testing. Allele origin: germline. Affected: yes.
Comment: Nonsense variant predicted to result in protein truncation or nonsense mediated decay in a gene for which loss of function is a known mechanism of disease; Not observed at significant frequency in large population cohorts (gnomAD); This variant is associated with the following publications: (PMID: 25525159, 32292456, 26499107, 23770607, 12607113, 21502868, 26169295, 27338287, 22796693, 23415435, 19405096, 17011332, 8680412)

MGZ Medical Genetics Center
Classification: Pathogenic for Niemann-Pick disease, type A. Last evaluated: 2022-02-08. Review status: criteria provided, single submitter. Criteria: ACMG Guidelines, 2015. Collection method: clinical testing. Allele origin: germline. Affected: yes. Observed: 2 variant alleles.
Comment: ACMG criteria applied: PVS1, PM3_STR, PS4_MOD, PM2_SUP

Broad Center for Mendelian Genomics, Broad Institute of MIT and Harvard
Classification: Pathogenic for Sphingomyelin/cholesterol lipidosis. Last evaluated: 2020-01-22. Review status: criteria provided, single submitter. Criteria: ACMG Guidelines, 2015. Collection method: curation. Allele origin: germline. Inheritance: Autosomal recessive inheritance.
Comment: The p.Arg443Ter variant in SMPD1 (also known as p.Arg441Ter due to a difference in cDNA numbering) has been reported in at least 9 individuals with Niemann-Pick disease (PMID: 22796693, 23415435, 8680412, 17011332, 19405096) and has been identified in 0.004% (4/111364) of European (non-Finnish) chromosomes by the Genome Aggregation Database (gnomAD; dbSNP rs120074127). Although this variant has been seen in the general population, its frequency is low enough to be consistent with a recessive carrier frequency. This variant has also been reported in ClinVar (VariationID: 2993) as pathogenic by the University of Chicago, GeneDx, Counsyl, Invitae, Integrated Genetics, and OMIM. This nonsense variant leads to a premature termination codon at position 443, which is predicted to lead to a truncated or absent protein. Although this variant causes loss of function, it is pathogenic without the use of PVS1 and was used to establish whether loss of function is a mechanism of disease. The presence of this variant in 1 affected homozygote and in combination with reported pathogenic or likely pathogenic variants in at least 5 individuals with Niemann-Pick disease increases the likelihood that the p.Arg443Ter variant is pathogenic (VariationID: 93315, 93318, 198093; PMID: 19405096, 22796693, 23415435, 8680412, 17011332). The phenotype of individuals compound heterozygous for this variant is highly specific for Niemann-Pick disease based on acid sphingomyelinase activity being <10% of normal, consistent with disease (PMID: 19405096, 22796693, 12607113, 23415435). In summary, this variant meets criteria to be classified as pathogenic for Niemann-Pick disease in an autosomal recessive manner based on the presence of the variant in homozygotes and in trans with other pathogenic variants in affected individuals, the phenotype of patients with the variant being highly specific for disease, and the low frequency in the general population. ACMG/AMP Criteria applied: PM3_very-strong, PM2, PP4 (Richards 2015).

Women's Health and Genetics/Laboratory Corporation of America, LabCorp
Classification: Pathogenic. Last evaluated: 2018-02-19. Review status: criteria provided, single submitter. Criteria: LabCorp Variant Classification Summary - May 2015. Collection method: clinical testing. Allele origin: germline.
Comment: Variant summary: SMPD1 c.1327C>T (p.Arg443X) results in a premature termination codon, predicted to cause a truncation of the encoded protein or absence of the protein due to nonsense mediated decay, which are commonly known mechanisms for disease. A truncation downstream of this position has been classified as pathogenic by our laboratory (c.1420_1421delCT (p.Leu474fsX20)). The variant allele was found at a frequency of 1.6e-05 in 243788 control chromosomes (gnomAD). This frequency is not significantly higher than expected for a pathogenic variant in SMPD1 causing Niemann-Pick Disease (1.6e-05 vs 2.20e-03), allowing no conclusion about variant significance. The variant, c.1327C>T, has been reported in the literature in multiple individuals affected with Niemann-Pick Disease (Wasserstein_2006, Lee_SMPD1_2011, Mukherjee_2011). These data indicate that the variant is very likely to be associated with disease. At least one publication reports experimental evidence evaluating an impact on protein function. The most pronounced variant effect results in 30%-50% of normal activity (Lee_2013). Multiple ClinVar submissions from clinical diagnostic laboratories (evaluation after 2014) classify the variant as "pathogenic." Based on the evidence outlined above, the variant was classified as pathogenic.

Genetic Services Laboratory, University of Chicago
Classification: Pathogenic for Niemann-Pick disease, type A. Last evaluated: 2015-01-21. Review status: criteria provided, single submitter. Criteria: ACMG Guidelines, 2015. Collection method: clinical testing. Allele origin: germline. Affected: yes.

Neuberg Centre For Genomic Medicine, NCGM
Classification: Pathogenic for Niemann-Pick disease, type B. Review status: criteria provided, single submitter. Criteria: ACMG Guidelines, 2015. Collection method: clinical testing. Allele origin: germline. Inheritance: Autosomal recessive inheritance. Affected: yes.
Comment: The stop gained variant c.1327C>T (p.Arg443Ter) in SMPD1 gene has been reported in individuals affected with Niemann-Pick disease type A and B (Mukherjee SB et.al.,2012). This variant has been reported to the ClinVar database as Pathogenic. The c.1327C>T variant is reported with allele frequency 0.002% in gnomAD exomes and novel in 1000 Genomes. This variant is predicted to cause loss of normal protein function (Ricci V et.al.,2004). Loss of function variants have been previously reported to be disease causing. For these reasons, this variant has been classified as Pathogenic .

Counsyl
Classification: Pathogenic for Niemann-Pick disease, type A. Last evaluated: 2016-05-24. Review status: no assertion criteria provided. Collection method: clinical testing. Allele origin: unknown. Not counted in ClinVar's aggregate classification.

OMIM
Classification: Pathogenic for NIEMANN-PICK DISEASE, TYPE B. Last evaluated: 2003-05-01. Review status: no assertion criteria provided. Collection method: literature only. Allele origin: germline. Not counted in ClinVar's aggregate classification.

Literature cited by the submitters: PubMed 12369017 (cited by Labcorp Genetics (formerly Invitae), Labcorp); PubMed 15221801 (cited by Labcorp Genetics (formerly Invitae), Labcorp); PubMed 8680412 (cited by 3 submitters); PubMed 12607113 (cited by 4 submitters); PubMed 17011332 (cited by 5 submitters); PubMed 22796693 (cited by 4 submitters); PubMed 19405096 (cited by Broad Center for Mendelian Genomics, Broad Institute of MIT and Harvard); PubMed 23415435 (cited by Broad Center for Mendelian Genomics, Broad Institute of MIT and Harvard and Women's Health and Genetics/Laboratory Corporation of America, LabCorp); PubMed 26499107 (cited by Women's Health and Genetics/Laboratory Corporation of America, LabCorp).

NM_000543.5(SMPD1):c.1327C>T (p.Arg443Ter)

Gene: SMPD1 (sphingomyelin phosphodiesterase 1; plus strand). Cytogenetic location: 11p15.4.
Variant type: single nucleotide variant.
Coding change: c.1327C>T on transcript NM_000543.5 (MANE Select); coding-DNA position 1327, C replaced by T.
Protein change: p.Arg443Ter; replaces arginine 443 with a stop codon.
Molecular consequence: nonsense. On other transcripts: non-coding transcript variant (2).
Genome position (GRCh38, 1-based): chr11:6,393,680, C>T. VCF-style: chr11-6393680-C-T. GRCh37 (hg19) VCF-style: chr11-6414910-C-T.
Other names: R441*; c.1324C>T, p.Arg442Ter (NM_001007593.3); c.1327C>T, p.Arg443Ter (NM_001318087.2); c.406C>T, p.Arg136Ter (NM_001318088.2); c.1195C>T, p.Arg399Ter (NM_001365135.2); short protein forms R443*, R442*, R136*, R399*.
Identifiers: ClinVar variation 2993 (VCV000002993.36), dbSNP rs120074127, ClinGen allele CA252525.